The following is an entry in ClinVar:

ClinVar aggregate classification (germline): Uncertain significance. Review status: criteria provided, multiple submitters, no conflicts (2 of 4 stars). 2 submissions from 2 submitters: Uncertain significance (2). Last evaluated 2024-07-09.

Conditions:
Inborn genetic diseases. Identifiers: MedGen C0950123, MeSH D030342.

Allele frequency attached by ClinVar (database versions not stated): gnomAD exomes 0.00001; TOPMed 0.00002; gnomAD 0.00003; ExAC 0.00009.
gnomAD v4.1: 26 of 1,600,972 alleles (0.0016%); highest among the groups gnomAD compares: Admixed American, 0.038%; no homozygotes.

Submissions (2):

Ambry Genetics
Classification: Uncertain significance for Inborn genetic diseases. Last evaluated: 2024-07-09. Review status: criteria provided, single submitter. Criteria: Ambry Variant Classification Scheme 2023. Collection method: clinical testing. Allele origin: germline.

Labcorp Genetics (formerly Invitae), Labcorp
Classification: Uncertain significance. Last evaluated: 2022-07-02. Review status: criteria provided, single submitter. Criteria: Invitae Variant Classification Sherloc (09022015). Collection method: clinical testing. Allele origin: germline.
Comment: This sequence change replaces isoleucine, which is neutral and non-polar, with valine, which is neutral and non-polar, at codon 690 of the SEC24D protein (p.Ile690Val). This variant is present in population databases (rs780557719, gnomAD 0.05%). This variant has not been reported in the literature in individuals affected with SEC24D-related conditions. Algorithms developed to predict the effect of missense changes on protein structure and function are either unavailable or do not agree on the potential impact of this missense change (SIFT: "Not Available"; PolyPhen-2: "Benign"; Align-GVGD: "Not Available"). In summary, the available evidence is currently insufficient to determine the role of this variant in disease. Therefore, it has been classified as a Variant of Uncertain Significance.

NM_014822.4(SEC24D):c.2068A>G (p.Ile690Val)

Gene: SEC24D (SEC24 homolog D, COPII coat complex component; minus strand). Cytogenetic location: 4q26.
Variant type: single nucleotide variant.
Coding change: c.2068A>G on transcript NM_014822.4 (MANE Select); coding-DNA position 2068, A replaced by G.
Protein change: p.Ile690Val; replaces isoleucine 690 with valine.
Molecular consequence: missense variant.
Genome position (GRCh38, 1-based): chr4:118,740,965, T>C on the plus strand (A>G on the coding strand, the complement: SEC24D is on the minus strand). VCF-style: chr4-118740965-T-C. GRCh37 (hg19) VCF-style: chr4-119662120-T-C.
Other names: c.2071A>G, p.Ile691Val (NM_001318066.2); c.2068A>G (NM_014822.2); short protein forms I691V, I690V.
Identifiers: ClinVar variation 2187404 (VCV002187404.2), dbSNP rs780557719, ClinGen allele CA3057078.
Genomic context (GRCh38, chr4:118,740,965, plus strand): 5'-AAGAGAGACCCGAAGAATTGTATAAATGATAATTACCTGTGCTGGTACGAACCCTCATAA[T>C]AGCATCAAAGCCTATTTTCTTTTCAATATCATTTCTGAGGTCGTTCAAAAATTGTTGTCT-3'
Protein context (NP_055637.2, residues 680-700): DIEKKIGFDA[Ile690Val]MRVRTSTGFR